The following is an entry in ClinVar:

NM_001127222.2(CACNA1A):c.2510A>G (p.Lys837Arg)

Gene: CACNA1A (calcium voltage-gated channel subunit alpha1 A; minus strand). Cytogenetic location: 19p13.13.
Variant type: single nucleotide variant.
Coding change: c.2510A>G on transcript NM_001127222.2 (MANE Select); coding-DNA position 2510, A replaced by G.
Protein change: p.Lys837Arg; replaces lysine 837 with arginine.
Molecular consequence: missense variant.
Genome position (GRCh38, 1-based): chr19:13,299,123, T>C on the plus strand (A>G on the coding strand, the complement: CACNA1A is on the minus strand). VCF-style: chr19-13299123-T-C. GRCh37 (hg19) VCF-style: chr19-13409937-T-C.
Other names: c.2522A>G, p.Lys841Arg (NM_000068.4, NM_023035.3); c.2513A>G, p.Lys838Arg (NM_001127221.2, NM_001174080.2); short protein forms K841R, K838R, K837R.
Identifiers: ClinVar variation 1432229 (VCV001432229.6), dbSNP rs1293855171, ClinGen allele CA404343291.
Genomic context (GRCh38, chr19:13,299,123, plus strand): 5'-AAGTCCTCGGCGCGCTGCTGGCCGAGGCGCTGGTCCACGGTGGGCTCGGCCGCCCGGCTC[T>C]TGTTGGTGTTGTTGTTGCGGTTCTCCTGCGGGTCCACCACCAGCGGCCGGTCCAAGTGCG-3'
Protein context (NP_001120694.1, residues 827-847): PQENRNNNTN[Lys837Arg]SRAAEPTVDQ

ClinVar aggregate classification (germline): Uncertain significance (1 of 4 stars; one submission).

Conditions:
Episodic ataxia type 2 (EA2). Also called: ACETAZOLAMIDE-RESPONSIVE HEREDITARY PAROXYSMAL CEREBELLAR ATAXIA; EPISODIC ATAXIA, NYSTAGMUS-ASSOCIATED; ATAXIA, EPISODIC, WITH NYSTAGMUS; ATAXIA, FAMILIAL PAROXYSMAL; CEREBELLAR ATAXIA, PAROXYSMAL, ACETAZOLAMIDE-RESPONSIVE; CEREBELLOPATHY, HEREDITARY PAROXYSMAL. Identifiers: Orphanet 97, MedGen C1720416, MONDO:0007163, OMIM 108500.
Developmental and epileptic encephalopathy, 42 (DEE42A). Also called: DEVELOPMENTAL AND EPILEPTIC ENCEPHALOPATHY 42A; EPILEPTIC ENCEPHALOPATHY, EARLY INFANTILE, 42A; Epileptic encephalopathy, early infantile, 42. Identifiers: MedGen C4310716, MONDO:0014917, OMIM 617106.

Allele frequency attached by ClinVar (database versions not stated): gnomAD exomes below 0.00001; TOPMed below 0.00001.
gnomAD v4.1: 1 of 1,613,022 alleles (0.000062%); highest among the groups gnomAD compares: Non-Finnish European, 0.000085%; no homozygotes.

Submission:

Labcorp Genetics (formerly Invitae), Labcorp
Classification: Uncertain significance for Developmental and epileptic encephalopathy, 42; Episodic ataxia type 2. Last evaluated: 2023-06-29. Review status: criteria provided, single submitter. Criteria: Invitae Variant Classification Sherloc (09022015). Collection method: clinical testing. Allele origin: germline.
Comment: This variant is present in population databases (no rsID available, gnomAD 0.0009%). This sequence change replaces lysine, which is basic and polar, with arginine, which is basic and polar, at codon 838 of the CACNA1A protein (p.Lys838Arg). This variant has not been reported in the literature in individuals affected with CACNA1A-related conditions. In summary, the available evidence is currently insufficient to determine the role of this variant in disease. Therefore, it has been classified as a Variant of Uncertain Significance. Advanced modeling of protein sequence and biophysical properties (such as structural, functional, and spatial information, amino acid conservation, physicochemical variation, residue mobility, and thermodynamic stability) performed at Invitae indicates that this missense variant is not expected to disrupt CACNA1A protein function. ClinVar contains an entry for this variant (Variation ID: 1432229).